The following is an entry in ClinVar:

NM_032482.3(DOT1L):c.676G>C (p.Glu226Gln)

Gene: DOT1L (DOT1 like histone lysine methyltransferase; plus strand). Cytogenetic location: 19p13.3.
Variant type: single nucleotide variant.
Coding change: c.676G>C on transcript NM_032482.3 (MANE Select); coding-DNA position 676, G replaced by C.
Protein change: p.Glu226Gln; replaces glutamic acid 226 with glutamine.
Molecular consequence: missense variant.
Genome position (GRCh38, 1-based): chr19:2,199,908, G>C. VCF-style: chr19-2199908-G-C. GRCh37 (hg19) VCF-style: chr19-2199907-G-C.
Other names: c.676G>C, p.Glu226Gln (NM_001411141.1); short protein forms E226Q.
Identifiers: ClinVar variation 5035568 (VCV005035568.1).

ClinVar aggregate classification (germline): Uncertain significance (1 of 4 stars; one submission).

Conditions:
Inborn genetic diseases. Identifiers: MedGen C0950123, MeSH D030342.

gnomAD v4.1: 1 of 1,614,062 alleles (0.000062%); highest among the groups gnomAD compares: Non-Finnish European, 0.000085%; no homozygotes.

Submission:

Ambry Genetics
Classification: Uncertain significance for Inborn genetic diseases. Last evaluated: 2026-08-03. Review status: criteria provided, single submitter. Criteria: Ambry Variant Classification Scheme 2023. Collection method: clinical testing. Allele origin: germline.
Comment: The c.676G>C (p.E226Q) alteration is located in exon 8 (coding exon 8) of the DOT1L gene. This alteration results from a G to C substitution at nucleotide position 676, causing the glutamic acid (E) at amino acid position 226 to be replaced by a glutamine (Q). Based on data from gnomAD, the C allele has an overall frequency of <0.001% (1/249290) total alleles studied. The highest observed frequency was 0.001% (1/113102) of European (non-Finnish) alleles. Based on insufficient or conflicting evidence, the clinical significance of this alteration remains unclear.